The following is an entry in ClinVar:

NM_001079872.2(CUL4B):c.695dup (p.Tyr232Ter)

Gene: CUL4B (cullin 4B; minus strand). Cytogenetic location: Xq24.
Variant type: Duplication.
Coding change: c.695dup on transcript NM_001079872.2 (MANE Select); coding-DNA position 695, one base duplicated (A; older notation c.695dupA).
Protein change: p.Tyr232Ter; replaces tyrosine 232 with a stop codon.
Molecular consequence: nonsense.
Genome position (GRCh38, 1-based): chrX:120,547,217, T duplicated on the plus strand (A on the coding strand, the reverse complement: CUL4B is on the minus strand). VCF-style (leftmost placement, unchanged base first): chrX-120547216-G-GT. GRCh37 (hg19) VCF-style: chrX-119681071-G-GT.
Other names: c.710dup, p.Tyr237Ter (NM_001330624.2); c.161dup, p.Tyr54Ter (NM_001369145.1); c.749dup, p.Tyr250Ter (NM_003588.4); short protein forms Y232*, Y237*, Y250*, Y54*.
Identifiers: ClinVar variation 3028897 (VCV003028897.2), dbSNP rs2521136612, ClinGen allele CA2740092267.
Genomic context (GRCh38, chrX:120,547,216, plus strand): 5'-TGCTTTGATGTGATCTTCGCAGATCTGTCTCAGCTGTTTGTACAAGTTTGCAGAAATCTT[G>GT]TAAGAACAGAGATTTTCTACAGCCTGCAAGGTTAAAATACTTTCTTAAGGAGAGGATGAA-3'

ClinVar aggregate classification (germline): Likely pathogenic (1 of 4 stars; one submission).

Conditions:
X-linked intellectual disability Cabezas type (MRXSC). Also called: CABEZAS SYNDROME; MENTAL RETARDATION, X-LINKED, SYNDROMIC 15; Intellectual developmental disorder, X-linked syndromic, Cabezas type. Identifiers: Orphanet 85289, Orphanet 85293, MedGen C1845861, MONDO:0010306, OMIM 300354.

Submission:

Human Genetics Section, Sidra Medicine
Classification: Likely pathogenic for X-linked intellectual disability Cabezas type. Last evaluated: 2024-02-28. Review status: criteria provided, single submitter. Criteria: ACMG Guidelines, 2015. Collection method: research. Allele origin: germline. Affected: yes. Observed: 1 variant allele.
Comment: This variant was determined to be likely pathogenic according to ACMG Guidelines